The following is an entry in ClinVar:

NM_000141.5(FGFR2):c.2077A>G (p.Met693Val)

Gene: FGFR2 (fibroblast growth factor receptor 2; minus strand). Cytogenetic location: 10q26.13.
Variant type: single nucleotide variant.
Coding change: c.2077A>G on transcript NM_000141.5 (MANE Select); coding-DNA position 2077, A replaced by G.
Protein change: p.Met693Val; replaces methionine 693 with valine.
Molecular consequence: missense variant. On other transcripts: non-coding transcript variant (1).
Genome position (GRCh38, 1-based): chr10:121,485,513, T>C on the plus strand (A>G on the coding strand, the complement: FGFR2 is on the minus strand). VCF-style: chr10-121485513-T-C. GRCh37 (hg19) VCF-style: chr10-123245027-T-C.
Other names: c.2080A>G, p.Met694Val (NM_001144913.1, NM_022970.4); c.1741A>G, p.Met581Val (NM_001144914.1); c.1810A>G, p.Met604Val (NM_001144915.2, NM_023029.3); c.1732A>G, p.Met578Val (NM_001144916.2); c.1729A>G, p.Met577Val (NM_001144917.2); c.1726A>G, p.Met576Val (NM_001144918.2); c.1813A>G, p.Met605Val (NM_001144919.2); c.1393A>G, p.Met465Val (NM_001320654.2); and 1 more; short protein forms M465V, M576V, M577V, M578V, M581V, M604V, M605V, M691V.
Identifiers: ClinVar variation 1317030 (VCV001317030.3), dbSNP rs774682374, ClinGen allele CA5720553.

ClinVar aggregate classification (germline): Uncertain significance. Review status: criteria provided, multiple submitters, no conflicts (2 of 4 stars). 2 submissions from 2 submitters: Uncertain significance (2). Last evaluated 2021-10-11.

Conditions:
Acrocephalosyndactyly type I (ACS1). Also called: Apert syndrome; Acrocephalo-syndactyly type 1; ACS 1; Syndactylic oxycephaly. Identifiers: Orphanet 87, MedGen C0001193, MONDO:0007041, OMIM 101200.
Levy-Hollister syndrome (LADD). Also called: LADD syndrome. Identifiers: Orphanet 2363, MedGen C0265269, MONDO:0007872.
Jackson-Weiss syndrome (JWS). Also called: CRANIOSYNOSTOSIS, MIDFACIAL HYPOPLASIA, AND FOOT ABNORMALITIES. Identifiers: Orphanet 1540, MedGen C0795998, MONDO:0007400, OMIM 123150. Disease mechanism: loss of function.
Crouzon syndrome. Also called: Craniofacial dysostosis; Craniofacial dysostosis type 1; Crouzon craniofacial dysostosis; Crouzon disease; CRANIOFACIAL DYSOSTOSIS, TYPE I. Identifiers: Orphanet 207, MedGen C0010273, MeSH D003394, MONDO:0007405, OMIM 123500, HP:0004439.
Bent bone dysplasia syndrome 1 (BBDS1). Also called: FGFR2-related bent bone dysplasia. Identifiers: Orphanet 313855, MedGen C3281247, MONDO:0013815, OMIM 614592.
Gastric cancer. Also called: Malignant tumor of stomach; Stomach cancer. Identifiers: MedGen C0024623, MeSH D013274, MONDO:0001056, OMIM 613659, HP:0012126.
Beare-Stevenson cutis gyrata syndrome (BSTVS). Identifiers: Orphanet 1555, MedGen C1852406, MONDO:0007412, OMIM 123790.
Pfeiffer syndrome (ACS5). Also called: ACS V. Identifiers: Orphanet 710, MedGen C0220658, MONDO:0007043, OMIM 101600.
Antley-Bixler syndrome without genital anomalies or disordered steroidogenesis (ABS2). Also called: Trapezoidocephaly synostosis syndrome; Osteodysgenesis, multisynostotic with fractures; Antley-Bixler Syndrome, Autosomal Dominant; MULTISYNOSTOTIC OSTEODYSGENESIS WITH LONG BONE FRACTURES. Identifiers: Orphanet 596008, Orphanet 83, MedGen C2936791, MONDO:0020667, OMIM 207410.
Saethre-Chotzen syndrome (SCS). Also called: ACROCEPHALY, SKULL ASYMMETRY, AND MILD SYNDACTYLY; ACS III; CHOTZEN SYNDROME. Identifiers: Orphanet 794, MedGen C0175699, MONDO:0007042, OMIM 101400.
Familial scaphocephaly syndrome, McGillivray type. Also called: SCAPHOCEPHALY, MAXILLARY RETRUSION, AND IMPAIRED INTELLECTUAL DEVELOPMENT. Identifiers: Orphanet 168624, MedGen C1865070, MONDO:0012307, OMIM 609579.

Allele frequency attached by ClinVar (database versions not stated): ExAC 0.00001; gnomAD exomes 0.00001; TOPMed 0.00002.
gnomAD v4.1: 2 of 1,614,066 alleles (0.00012%); highest among the groups gnomAD compares: East Asian, 0.0045%; no homozygotes.

Submissions (2):

Fulgent Genetics
Classification: Uncertain significance for Acrocephalosyndactyly type I; Saethre-Chotzen syndrome; Pfeiffer syndrome; Jackson-Weiss syndrome; Crouzon syndrome; Beare-Stevenson cutis gyrata syndrome; LADD syndrome 1; Antley-Bixler syndrome without genital anomalies or disordered steroidogenesis; Familial scaphocephaly syndrome, McGillivray type; Gastric cancer; Bent bone dysplasia syndrome 1. Last evaluated: 2021-10-11. Review status: criteria provided, single submitter. Criteria: ACMG Guidelines, 2015. Collection method: clinical testing. Allele origin: unknown.

GeneDx
Classification: Uncertain significance. Last evaluated: 2019-12-27. Review status: criteria provided, single submitter. Criteria: GeneDx Variant Classification Process June 2021. Collection method: clinical testing. Allele origin: germline. Affected: yes.
Comment: In silico analysis, which includes protein predictors and evolutionary conservation, supports that this variant does not alter protein structure/function; Has not been previously published as pathogenic or benign to our knowledge